The following is an entry in ClinVar:

ClinVar aggregate classification (germline): Uncertain significance (0 of 4 stars; one submission).

Conditions:
PLXNA4-related disorder. Also called: PLXNA4-related condition.

Allele frequency attached by ClinVar (database versions not stated): gnomAD exomes below 0.00001; ExAC 0.00002; gnomAD 0.00004; TOPMed 0.00004.
gnomAD v4.1: 11 of 1,614,036 alleles (0.00068%); highest among the groups gnomAD compares: African/African-American, 0.013%; no homozygotes.

Submission:

PreventionGenetics, part of Exact Sciences
Classification: Uncertain significance for PLXNA4-related condition. Last evaluated: 2024-09-27. Review status: no assertion criteria provided. Collection method: clinical testing. Allele origin: germline.
Comment: The PLXNA4 c.2719G>A variant is predicted to result in the amino acid substitution p.Gly907Ser. To our knowledge, this variant has not been reported in the literature. This variant is reported in 0.019% of alleles in individuals of African descent in gnomAD. At this time, the clinical significance of this variant is uncertain due to the absence of conclusive functional and genetic evidence.

NM_020911.2(PLXNA4):c.2719G>A (p.Gly907Ser)

Gene: PLXNA4 (plexin A4; minus strand). Cytogenetic location: 7q32.3.
Variant type: single nucleotide variant.
Coding change: c.2719G>A on transcript NM_020911.2 (MANE Select); coding-DNA position 2719, G replaced by A.
Protein change: p.Gly907Ser; replaces glycine 907 with serine.
Molecular consequence: missense variant.
Genome position (GRCh38, 1-based): chr7:132,198,504, C>T on the plus strand (G>A on the coding strand, the complement: PLXNA4 is on the minus strand). VCF-style: chr7-132198504-C-T. GRCh37 (hg19) VCF-style: chr7-131883263-C-T.
Other names: c.2719G>A, p.Gly907Ser (NM_001393897.1); short protein forms G907S.
Identifiers: ClinVar variation 3039771 (VCV003039771.2), dbSNP rs747435244, ClinGen allele CA4489726.